The following is an entry in ClinVar:

ClinVar aggregate classification (germline): Uncertain significance. Review status: criteria provided, multiple submitters, no conflicts (2 of 4 stars). 3 submissions from 3 submitters: Uncertain significance (3). Last evaluated 2026-03-09.

Conditions:
Autosomal dominant polycystic kidney disease. Identifiers: Orphanet 730, MedGen C0085413, MONDO:0004691.
Polycystic kidney disease, adult type (PKD1). Also called: Polycystic Kidney, Autosomal Dominant; Polycystic Kidney Disease 1, Autosomal Dominant; Polycystic kidney disease 1; Polycystic kidney disease 1, severe; POLYCYSTIC KIDNEY DISEASE 1 WITH OR WITHOUT POLYCYSTIC LIVER DISEASE; POLYCYSTIC KIDNEY DISEASE, ADULT, TYPE I. Identifiers: MedGen C3149841, MONDO:0008263, OMIM 173900.
PKD1-related disorder. Also called: PKD1-related condition.

Allele frequency attached by ClinVar (database versions not stated): TOPMed 0.00003.

Submissions (3):

PreventionGenetics, part of Exact Sciences
Classification: Uncertain significance for PKD1-related condition. Last evaluated: 2026-03-09. Review status: criteria provided, single submitter. Criteria: ACMG Guidelines, 2015. Collection method: clinical testing. Allele origin: germline.
Comment: The PKD1 c.9695A>G variant is predicted to result in the amino acid substitution p.Lys3232Arg. To our knowledge, this variant has not been reported in the literature or in a large population database (gnomAD), indicating this variant is rare. At this time, the clinical significance of this variant is uncertain due to the absence of conclusive functional and genetic evidence.

Fulgent Genetics
Classification: Uncertain significance for Polycystic kidney disease, adult type. Last evaluated: 2024-05-17. Review status: criteria provided, single submitter. Criteria: ACMG Guidelines, 2015. Collection method: clinical testing. Allele origin: germline.

Molecular Genetics of Inherited Kidney Disorders Laboratory, Garvan Institute of Medical Research
Classification: Uncertain significance for Autosomal dominant polycystic kidney disease. Last evaluated: 2019-01-01. Review status: criteria provided, single submitter. Criteria: ACMG Guidelines, 2015. Collection method: research. Allele origin: germline. Affected: yes.

NM_001009944.3(PKD1):c.9695A>G (p.Lys3232Arg)

Gene: PKD1 (polycystin 1, transient receptor potential channel interacting; minus strand). Cytogenetic location: 16p13.3.
Variant type: single nucleotide variant.
Coding change: c.9695A>G on transcript NM_001009944.3 (MANE Select); coding-DNA position 9695, A replaced by G.
Protein change: p.Lys3232Arg; replaces lysine 3232 with arginine.
Molecular consequence: missense variant.
Genome position (GRCh38, 1-based): chr16:2,100,183, T>C on the plus strand (A>G on the coding strand, the complement: PKD1 is on the minus strand). VCF-style: chr16-2100183-T-C. GRCh37 (hg19) VCF-style: chr16-2150184-T-C.
Other names: c.9695A>G, p.Lys3232Arg (NM_000296.4); short protein forms K3232R.
Identifiers: ClinVar variation 976835 (VCV000976835.3), dbSNP rs988225678, ClinGen allele CA276773335.
Genomic context (GRCh38, chr16:2,100,183, plus strand): 5'-TGCCCAACCTCCCACGGAGTGGGAACATGGAACGAGGCCTTACTCGCGGCCAGCACCTCC[T>C]TCTCCACCAGGCCCCCGTTGGCCTCCGTCTCCACCGAAAGCCAGTCATTGACCAGGAAGA-3'
Protein context (NP_001009944.3, residues 3222-3242): ETEANGGLVE[Lys3232Arg]EVLAASDAAL